The following is an entry in ClinVar:

ClinVar aggregate classification (germline): Uncertain significance (1 of 4 stars; one submission).

Conditions:
Supravalvar aortic stenosis (SVAS). Also called: Supravalvar aortic stenosis, Eisenberg type. Identifiers: Orphanet 3193, MedGen C0003499, MONDO:0008504, OMIM 185500, HP:0004381.

Submission:

Labcorp Genetics (formerly Invitae), Labcorp
Classification: Uncertain significance for Supravalvar aortic stenosis. Last evaluated: 2022-11-07. Review status: criteria provided, single submitter. Criteria: Invitae Variant Classification Sherloc (09022015). Collection method: clinical testing. Allele origin: germline.
Comment: Advanced modeling of protein sequence and biophysical properties (such as structural, functional, and spatial information, amino acid conservation, physicochemical variation, residue mobility, and thermodynamic stability) performed at Invitae indicates that this missense variant is not expected to disrupt ELN protein function. This variant has not been reported in the literature in individuals affected with ELN-related conditions. In summary, the available evidence is currently insufficient to determine the role of this variant in disease. Therefore, it has been classified as a Variant of Uncertain Significance. This sequence change replaces glycine, which is neutral and non-polar, with valine, which is neutral and non-polar, at codon 72 of the ELN protein (p.Gly72Val). This variant is not present in population databases (gnomAD no frequency).

NM_000501.4(ELN):c.215G>T (p.Gly72Val)

Gene: ELN (elastin; plus strand). Cytogenetic location: 7q11.23.
Variant type: single nucleotide variant.
Coding change: c.215G>T on transcript NM_000501.4 (MANE Select); coding-DNA position 215, G replaced by T.
Protein change: p.Gly72Val; replaces glycine 72 with valine.
Molecular consequence: missense variant. On other transcripts: intron variant (1).
Genome position (GRCh38, 1-based): chr7:74,041,234, G>T. VCF-style: chr7-74041234-G-T. GRCh37 (hg19) VCF-style: chr7-73455564-G-T.
Other names: c.185G>T, p.Gly62Val (NM_001081752.3, NM_001278914.2, NM_001278917.2 and 1 more transcripts); c.215G>T, p.Gly72Val (NM_001081753.3, NM_001081754.3, NM_001081755.3 and 4 more transcripts); c.197-1380G>T (NM_001278913.2); short protein forms G62V, G72V.
Identifiers: ClinVar variation 2812631 (VCV002812631.3), dbSNP rs782513843, ClinGen allele CA367869103.